The following is an entry in ClinVar:

NM_001291303.3(FAT4):c.14663C>G (p.Ala4888Gly)

Gene: FAT4 (FAT atypical cadherin 4; plus strand). Cytogenetic location: 4q28.1.
Variant type: single nucleotide variant.
Coding change: c.14663C>G on transcript NM_001291303.3 (MANE Select); coding-DNA position 14663, C replaced by G.
Protein change: p.Ala4888Gly; replaces alanine 4888 with glycine.
Molecular consequence: missense variant.
Genome position (GRCh38, 1-based): chr4:125,491,479, C>G. VCF-style: chr4-125491479-C-G. GRCh37 (hg19) VCF-style: chr4-126412634-C-G.
Other names: c.14660C>G, p.Ala4887Gly (NM_001291285.3); c.14657C>G, p.Ala4886Gly (NM_024582.6); short protein forms A4888G, A4886G, A4887G.
Identifiers: ClinVar variation 445551 (VCV000445551.18), dbSNP rs35340865, ClinGen allele CA3074599.

ClinVar aggregate classification (germline): Benign/Likely benign. Review status: criteria provided, multiple submitters, no conflicts (2 of 4 stars). 7 submissions from 7 submitters: Benign (2); Likely benign (2). 3 of the submissions do not count toward it. Last evaluated 2026-02-02.

Conditions:
FAT4-related disorder. Also called: FAT4-related condition.

Allele frequency attached by ClinVar (database versions not stated): gnomAD exomes 0.00203; ESP Exome Variant Server 0.00577; TOPMed 0.00608; 1000 Genomes Project 30x 0.00656; 1000 Genomes Project 0.00679; ExAC 0.00232; gnomAD 0.00515 and 0.00551.

Submissions (7):

Labcorp Genetics (formerly Invitae), Labcorp
Classification: Benign. Last evaluated: 2026-02-02. Review status: criteria provided, single submitter. Criteria: Invitae Variant Classification Sherloc (09022015). Collection method: clinical testing. Allele origin: germline.

GeneDx
Classification: Benign. Last evaluated: 2018-02-06. Review status: criteria provided, single submitter. Criteria: GeneDx Variant Classification (06012015). Collection method: clinical testing. Allele origin: germline. Affected: yes.
Comment: This variant is considered likely benign or benign based on one or more of the following criteria: it is a conservative change, it occurs at a poorly conserved position in the protein, it is predicted to be benign by multiple in silico algorithms, and/or has population frequency not consistent with disease.

Center for Pediatric Genomic Medicine, Children's Mercy Hospital and Clinics
Classification: Likely benign. Last evaluated: 2017-05-04. Review status: criteria provided, single submitter. Criteria: ACMG Guidelines, 2015. Collection method: clinical testing. Allele origin: germline.

Breakthrough Genomics
Classification: Likely benign. Review status: criteria provided, single submitter. Criteria: ACMG Guidelines, 2015. Collection method: not provided. Allele origin: germline. Inheritance: Autosomal recessive inheritance. Affected: yes.

PreventionGenetics, part of Exact Sciences
Classification: Benign for FAT4-related condition. Last evaluated: 2019-03-14. Review status: no assertion criteria provided. Collection method: clinical testing. Allele origin: germline. Not counted in ClinVar's aggregate classification.
Comment: This variant is classified as benign based on ACMG/AMP sequence variant interpretation guidelines (Richards et al. 2015 PMID: 25741868, with internal and published modifications).

Clinical Genetics DNA and cytogenetics Diagnostics Lab, Erasmus MC, Erasmus Medical Center
Classification: Benign. Review status: no assertion criteria provided. Collection method: clinical testing. Allele origin: germline. Affected: yes. Study: VKGL Data-share Consensus. Not counted in ClinVar's aggregate classification.

Clinical Genetics, Academic Medical Center
Classification: Benign. Review status: no assertion criteria provided. Collection method: clinical testing. Allele origin: germline. Affected: yes. Study: VKGL Data-share Consensus. Not counted in ClinVar's aggregate classification.